The following is an entry in ClinVar:

ClinVar aggregate classification (germline): Likely benign. Review status: criteria provided, multiple submitters, no conflicts (2 of 4 stars). 2 submissions from 2 submitters: Likely benign (2). Last evaluated 2025-02-01.

Allele frequency attached by ClinVar (database versions not stated): gnomAD 0.00001; gnomAD exomes 0.00001 and 0.00002; TOPMed 0.00001.
gnomAD v4.1: 25 of 1,613,842 alleles (0.0015%); highest among the groups gnomAD compares: Non-Finnish European, 0.0019%; no homozygotes.

Submissions (2):

CeGaT Center for Human Genetics Tuebingen
Classification: Likely benign. Last evaluated: 2025-02-01. Review status: criteria provided, single submitter. Criteria: CeGaT Center For Human Genetics Tuebingen Variant Classification Criteria Version 2. Collection method: clinical testing. Allele origin: germline. Affected: yes. Observed: 1 variant allele.
Comment: AHDC1: BP4, BP7

GeneDx
Classification: Likely benign. Last evaluated: 2020-08-05. Review status: criteria provided, single submitter. Criteria: GeneDx Variant Classification Process June 2021. Collection method: clinical testing. Allele origin: germline. Affected: yes.
Comment: Has not been previously published as pathogenic or benign to our knowledge

NM_001371928.1(AHDC1):c.3606G>A (p.Glu1202=)

Gene: AHDC1 (AT-hook DNA binding motif containing 1; minus strand). Cytogenetic location: 1p36.11.
Variant type: single nucleotide variant.
Coding change: c.3606G>A on transcript NM_001371928.1 (MANE Select); coding-DNA position 3606, G replaced by A.
Protein change: p.Glu1202=; no amino-acid change (glutamic acid 1202 retained).
Molecular consequence: synonymous variant.
Genome position (GRCh38, 1-based): chr1:27,548,510, C>T on the plus strand (G>A on the coding strand, the complement: AHDC1 is on the minus strand). VCF-style: chr1-27548510-C-T. GRCh37 (hg19) VCF-style: chr1-27875021-C-T.
Other names: c.3606G>A, p.Glu1202= (NM_001029882.3).
Identifiers: ClinVar variation 1220048 (VCV001220048.16), dbSNP rs1253060342, ClinGen allele CA416977734.